The following is an entry in ClinVar:

ClinVar aggregate classification (germline): Uncertain significance (1 of 4 stars; one submission).

Conditions:
Aortic aneurysm, familial thoracic 6 (AAT6). Also called: FAMILIAL THORACIC AORTIC ANEURYSM WITH LIVEDO RETICULARIS AND IRIS FLOCCULI. Identifiers: MedGen C2673186, MONDO:0012730, OMIM 611788.

Submission:

Labcorp Genetics (formerly Invitae), Labcorp
Classification: Uncertain significance for Aortic aneurysm, familial thoracic 6. Last evaluated: 2022-08-06. Review status: criteria provided, single submitter. Criteria: Invitae Variant Classification Sherloc (09022015). Collection method: clinical testing. Allele origin: germline.
Comment: This variant has not been reported in the literature in individuals affected with ACTA2-related conditions. This variant is not present in population databases (gnomAD no frequency). This sequence change replaces isoleucine, which is neutral and non-polar, with threonine, which is neutral and polar, at codon 250 of the ACTA2 protein (p.Ile250Thr). Advanced modeling of protein sequence and biophysical properties (such as structural, functional, and spatial information, amino acid conservation, physicochemical variation, residue mobility, and thermodynamic stability) performed at Invitae indicates that this missense variant is expected to disrupt ACTA2 protein function. In summary, the available evidence is currently insufficient to determine the role of this variant in disease. Therefore, it has been classified as a Variant of Uncertain Significance.

NM_001613.4(ACTA2):c.749T>C (p.Ile250Thr)

Genes: ACTA2 (actin alpha 2, smooth muscle; minus strand), ACTA2-AS1 (ACTA2 antisense RNA 1; plus strand). Cytogenetic location: 10q23.31.
Variant type: single nucleotide variant.
Coding change: c.749T>C on transcript NM_001613.4 (MANE Select); coding-DNA position 749, T replaced by C.
Protein change: p.Ile250Thr; replaces isoleucine 250 with threonine.
Molecular consequence: missense variant. On other transcripts: non-coding transcript variant (1).
Genome position (GRCh38, 1-based): chr10:88,939,566, A>G on the plus strand (T>C on the coding strand, the complement: ACTA2 is on the minus strand). VCF-style: chr10-88939566-A-G. GRCh37 (hg19) VCF-style: chr10-90699323-A-G.
Other names: c.749T>C, p.Ile250Thr (NM_001141945.3, NM_001320855.2, NM_001406462.1 and 2 more transcripts); c.638T>C, p.Ile213Thr (NM_001406466.1); c.620T>C, p.Ile207Thr (NM_001406467.1, NM_001406468.1, NM_001406469.1); short protein forms I207T, I213T, I250T.
Identifiers: ClinVar variation 2004407 (VCV002004407.4), dbSNP rs751968992, ClinGen allele CA377511260.